The following is an entry in ClinVar:

NM_013266.4(CTNNA3):c.496A>G (p.Asn166Asp)

Gene: CTNNA3 (catenin alpha 3; minus strand). Cytogenetic location: 10q21.3.
Variant type: single nucleotide variant.
Coding change: c.496A>G on transcript NM_013266.4 (MANE Select); coding-DNA position 496, A replaced by G.
Protein change: p.Asn166Asp; replaces asparagine 166 with aspartic acid.
Molecular consequence: missense variant.
Genome position (GRCh38, 1-based): chr10:67,521,925, T>C on the plus strand (A>G on the coding strand, the complement: CTNNA3 is on the minus strand). VCF-style: chr10-67521925-T-C. GRCh37 (hg19) VCF-style: chr10-69281683-T-C.
Other names: c.496A>G, p.Asn166Asp (NM_001127384.3); c.532A>G, p.Asn178Asp (NM_001291133.2); short protein forms N166D, N178D.
Identifiers: ClinVar variation 3498320 (VCV003498320.1).

ClinVar aggregate classification (germline): Uncertain significance (1 of 4 stars; one submission).

Submission:

Ambry Genetics
Classification: Uncertain significance. Last evaluated: 2024-11-05. Review status: criteria provided, single submitter. Criteria: Ambry Variant Classification Scheme 2023. Collection method: clinical testing. Allele origin: germline.
Comment: The p.N166D variant (also known as c.496A>G), located in coding exon 4 of the CTNNA3 gene, results from an A to G substitution at nucleotide position 496. The asparagine at codon 166 is replaced by aspartic acid, an amino acid with highly similar properties. This amino acid position is conserved. In addition, this alteration is predicted to be tolerated by in silico analysis. Based on the available evidence, the clinical significance of this variant remains unclear.